The following is an entry in ClinVar:

ClinVar aggregate classification (germline): Likely benign (1 of 4 stars; one submission).

Conditions:
Leukocyte adhesion deficiency 1 (LAD1). Also called: LAD 1; Lymphocyte function-associated antigen 1 immunodeficiency; LFA 1 immunodeficiency; LEUKOCYTE ADHESION DEFICIENCY, TYPE I. Identifiers: Orphanet 2968, Orphanet 99842, MedGen C0398738, MONDO:0007293, OMIM 116920.

Allele frequency attached by ClinVar (database versions not stated): gnomAD exomes 0.00045 and 0.00124; ExAC 0.00164; gnomAD 0.00453 and 0.00491; 1000 Genomes Project 30x 0.00484; TOPMed 0.00487; ESP Exome Variant Server 0.00538; 1000 Genomes Project 0.00539.
gnomAD v4.1: 1,370 of 1,583,256 alleles (0.087%); highest among the groups gnomAD compares: African/African-American, 1.7%; 5 homozygotes.

Submission:

Illumina Laboratory Services, Illumina
Classification: Likely benign for Leukocyte adhesion deficiency 1. Last evaluated: 2017-04-27. Review status: criteria provided, single submitter. Criteria: ICSL Variant Classification Criteria 13 December 2019. Collection method: clinical testing. Allele origin: germline.
Comment: This variant was observed as part of a predisposition screen in an ostensibly healthy population. A literature search was performed for the gene, cDNA change, and amino acid change (where applicable). No publications were found based on this search. Allele frequency data from public databases allowed determination this variant is unlikely to cause disease. Therefore, this variant is classified as likely benign.

NM_000211.5(ITGB2):c.*38T>C

Gene: ITGB2 (integrin subunit beta 2; minus strand). Cytogenetic location: 21q22.3.
Variant type: single nucleotide variant.
Coding change: c.*38T>C on transcript NM_000211.5 (MANE Select); 38 bases downstream of the stop codon, T replaced by C.
Molecular consequence: 3 prime UTR variant.
Genome position (GRCh38, 1-based): chr21:44,886,330, A>G on the plus strand (T>C on the coding strand, the complement: ITGB2 is on the minus strand). VCF-style: chr21-44886330-A-G. GRCh37 (hg19) VCF-style: chr21-46306245-A-G.
Other names: c.*38T>C (NM_001127491.3, NM_001303238.2).
Identifiers: ClinVar variation 897774 (VCV000897774.4), dbSNP rs114632253, ClinGen allele CA10062473.